The following is an entry in ClinVar:

NM_201384.3(PLEC):c.4874A>G (p.Glu1625Gly)

Gene: PLEC (plectin; minus strand). Cytogenetic location: 8q24.3.
Variant type: single nucleotide variant.
Coding change: c.4874A>G on transcript NM_201384.3 (MANE Select); coding-DNA position 4874, A replaced by G.
Protein change: p.Glu1625Gly; replaces glutamic acid 1625 with glycine.
Molecular consequence: missense variant.
Genome position (GRCh38, 1-based): chr8:143,925,055, T>C on the plus strand (A>G on the coding strand, the complement: PLEC is on the minus strand). VCF-style: chr8-143925055-T-C. GRCh37 (hg19) VCF-style: chr8-144999223-T-C.
Other names: c.4955A>G, p.Glu1652Gly (NM_000445.5); c.4832A>G, p.Glu1611Gly (NM_201378.4); c.4808A>G, p.Glu1603Gly (NM_201379.3); c.5285A>G, p.Glu1762Gly (NM_201380.4); c.4778A>G, p.Glu1593Gly (NM_201381.3); c.4874A>G, p.Glu1625Gly (NM_201382.4); c.4886A>G, p.Glu1629Gly (NM_201383.3); c.4955A>G (NM_000445.3); short protein forms E1593G, E1629G, E1611G, E1625G, E1652G, E1603G, E1762G.
Identifiers: ClinVar variation 839934 (VCV000839934.9), dbSNP rs1480796001, ClinGen allele CA372552067.

ClinVar aggregate classification (germline): Uncertain significance. Review status: criteria provided, multiple submitters, no conflicts (2 of 4 stars). 3 submissions from 3 submitters: Uncertain significance (3). Last evaluated 2026-02-25.

Conditions:
PLEC-related disorder. Also called: PLEC-related condition; PLEC-related disorders.
Autosomal recessive limb-girdle muscular dystrophy type 2Q (LGMDR17). Also called: MUSCULAR DYSTROPHY, LIMB-GIRDLE, AUTOSOMAL RECESSIVE 17. Identifiers: Orphanet 254361, MedGen C3150989, MONDO:0013390, OMIM 613723.
Epidermolysis bullosa simplex, Ogna type (EBS5A). Also called: Pidermolysis bullosa simplex 5A, Ogna type; EPIDERMOLYSIS BULLOSA SIMPLEX 5A, OGNA TYPE. Identifiers: Orphanet 79401, MedGen C0432317, MONDO:0007555, OMIM 131950.
Epidermolysis bullosa simplex with nail dystrophy (EBS5D). Identifiers: MedGen C4225309, MONDO:0014661, OMIM 616487.
Epidermolysis bullosa simplex 5C, with pyloric atresia (EBS5C). Also called: PLEC-Related Epidermolysis Bullosa with Pyloric Atresia; Epidermolysis bullosa simplex with pyloric atresia; PLEC1-Related Epidermolysis Bullosa with Pyloric Atresia. Identifiers: Orphanet 158684, MedGen C2677349, MONDO:0012807, OMIM 612138.
Epidermolysis bullosa simplex 5B, with muscular dystrophy (EBS5B). Also called: EPIDERMOLYSIS BULLOSA SIMPLEX AND LIMB-GIRDLE MUSCULAR DYSTROPHY; Epidermolysis bullosa simplex with muscular dystrophy. Identifiers: Orphanet 257, MedGen C2931072, MONDO:0009181, OMIM 226670.
Inborn genetic diseases. Identifiers: MedGen C0950123, MeSH D030342.

Allele frequency attached by ClinVar (database versions not stated): gnomAD 0.00005 and 0.00007; TOPMed 0.00005; gnomAD exomes below 0.00001.
gnomAD v4.1: 14 of 1,545,706 alleles (0.00091%); highest among the groups gnomAD compares: African/African-American, 0.014%; no homozygotes.

Submissions (3):

PreventionGenetics, part of Exact Sciences
Classification: Uncertain significance for PLEC-related condition. Last evaluated: 2026-02-25. Review status: criteria provided, single submitter. Criteria: ACMG Guidelines, 2015. Collection method: clinical testing. Allele origin: germline.
Comment: The PLEC c.4955A>G variant is predicted to result in the amino acid substitution p.Glu1652Gly. To our knowledge, this variant has not been reported in the literature. This variant is reported in 0.023% of alleles in individuals of African descent in gnomAD. At this time, the clinical significance of this variant is uncertain due to the absence of conclusive functional and genetic evidence.

Labcorp Genetics (formerly Invitae), Labcorp
Classification: Uncertain significance for Autosomal recessive limb-girdle muscular dystrophy type 2Q; Epidermolysis bullosa simplex, Ogna type; Epidermolysis bullosa simplex with nail dystrophy; Epidermolysis bullosa simplex 5C, with pyloric atresia; Epidermolysis bullosa simplex 5B, with muscular dystrophy. Last evaluated: 2025-11-03. Review status: criteria provided, single submitter. Criteria: Invitae Variant Classification Sherloc (09022015). Collection method: clinical testing. Allele origin: germline.
Comment: This sequence change replaces glutamic acid, which is acidic and polar, with glycine, which is neutral and non-polar, at codon 1652 of the PLEC protein (p.Glu1652Gly). This variant is present in population databases (no rsID available, gnomAD 0.02%). This variant has not been reported in the literature in individuals affected with PLEC-related conditions. ClinVar contains an entry for this variant (Variation ID: 839934). Invitae Evidence Modeling of protein sequence and biophysical properties (such as structural, functional, and spatial information, amino acid conservation, physicochemical variation, residue mobility, and thermodynamic stability) indicates that this missense variant is not expected to disrupt PLEC protein function with a negative predictive value of 80%. In summary, the available evidence is currently insufficient to determine the role of this variant in disease. Therefore, it has been classified as a Variant of Uncertain Significance.

Ambry Genetics
Classification: Uncertain significance for Inborn genetic diseases. Last evaluated: 2024-11-21. Review status: criteria provided, single submitter. Criteria: Ambry Variant Classification Scheme 2023. Collection method: clinical testing. Allele origin: germline.